The following is an entry in ClinVar:

ClinVar aggregate classification (germline): Uncertain significance. Review status: criteria provided, multiple submitters, no conflicts (2 of 4 stars). 2 submissions from 2 submitters: Uncertain significance (2). Last evaluated 2026-01-22.

Conditions:
CEP164-related disorder. Also called: CEP164-related condition.
Nephronophthisis 15 (NPHP15). Identifiers: Orphanet 3156, MedGen C3541853, MONDO:0013917, OMIM 614845.

Allele frequency attached by ClinVar (database versions not stated): gnomAD exomes 0.00002; ExAC 0.00003; gnomAD 0.00003 and 0.00004.
gnomAD v4.1: 25 of 1,608,858 alleles (0.0016%); highest among the groups gnomAD compares: Admixed American, 0.01%; no homozygotes.

Submissions (2):

PreventionGenetics, part of Exact Sciences
Classification: Uncertain significance for CEP164-related condition. Last evaluated: 2026-01-22. Review status: criteria provided, single submitter. Criteria: ACMG Guidelines, 2015. Collection method: clinical testing. Allele origin: germline.
Comment: The CEP164 c.1703C>T variant is predicted to result in the amino acid substitution p.Thr568Ile. To our knowledge, this variant has not been reported in the literature. This variant is reported in 0.011% of alleles in individuals of Latino descent in gnomAD. At this time, the clinical significance of this variant is uncertain due to the absence of conclusive functional and genetic evidence.

Labcorp Genetics (formerly Invitae), Labcorp
Classification: Uncertain significance for Nephronophthisis 15. Last evaluated: 2021-08-25. Review status: criteria provided, single submitter. Criteria: Invitae Variant Classification Sherloc (09022015). Collection method: clinical testing. Allele origin: germline.
Comment: This sequence change replaces threonine with isoleucine at codon 568 of the CEP164 protein (p.Thr568Ile). The threonine residue is moderately conserved and there is a moderate physicochemical difference between threonine and isoleucine. This variant is present in population databases (rs752334538, ExAC 0.009%). This variant has not been reported in the literature in individuals affected with CEP164-related conditions. Algorithms developed to predict the effect of missense changes on protein structure and function output the following: SIFT: "Tolerated"; PolyPhen-2: "Benign"; Align-GVGD: "Class C0". The isoleucine amino acid residue is found in multiple mammalian species, which suggests that this missense change does not adversely affect protein function. In summary, the available evidence is currently insufficient to determine the role of this variant in disease. Therefore, it has been classified as a Variant of Uncertain Significance.

NM_014956.5(CEP164):c.1703C>T (p.Thr568Ile)

Gene: CEP164 (centrosomal protein 164; plus strand). Cytogenetic location: 11q23.3.
Variant type: single nucleotide variant.
Coding change: c.1703C>T on transcript NM_014956.5 (MANE Select); coding-DNA position 1703, C replaced by T.
Protein change: p.Thr568Ile; replaces threonine 568 with isoleucine.
Molecular consequence: missense variant.
Genome position (GRCh38, 1-based): chr11:117,382,921, C>T. VCF-style: chr11-117382921-C-T. GRCh37 (hg19) VCF-style: chr11-117253637-C-T.
Other names: c.1712C>T, p.Thr571Ile (NM_001271933.2); c.1703C>T (NM_014956.4); short protein forms T568I, T571I.
Identifiers: ClinVar variation 1488186 (VCV001488186.6), dbSNP rs752334538, ClinGen allele CA6294829.